The following is an entry in ClinVar:

NM_000465.4(BARD1):c.1358A>T (p.Asp453Val)

Gene: BARD1 (BRCA1 associated RING domain 1; minus strand). Cytogenetic location: 2q35.
Variant type: single nucleotide variant.
Coding change: c.1358A>T on transcript NM_000465.4 (MANE Select); coding-DNA position 1358, A replaced by T.
Protein change: p.Asp453Val; replaces aspartic acid 453 with valine.
Molecular consequence: missense variant. On other transcripts: non-coding transcript variant (3), intron variant (3).
Genome position (GRCh38, 1-based): chr2:214,769,269, T>A on the plus strand (A>T on the coding strand, the complement: BARD1 is on the minus strand). VCF-style: chr2-214769269-T-A. GRCh37 (hg19) VCF-style: chr2-215633993-T-A.
Other names: c.1301A>T, p.Asp434Val (NM_001282543.2); c.159-16714A>T (NM_001282548.2); c.216-16714A>T (NM_001282545.2); c.364+23028A>T (NM_001282549.2); short protein forms D434V, D453V.
Identifiers: ClinVar variation 2009621 (VCV002009621.4), dbSNP rs1694361138, ClinGen allele CA350450320.

ClinVar aggregate classification (germline): Uncertain significance (1 of 4 stars; one submission).

Conditions:
Familial cancer of breast. Also called: hereditary breast carcinoma; BREAST CANCER, FAMILIAL; Hereditary breast cancer. Identifiers: Orphanet 227535, MedGen C0346153, MONDO:0016419, OMIM 114480. Disease mechanism: loss of function.

Allele frequency attached by ClinVar (database versions not stated): gnomAD exomes below 0.00001.
gnomAD v4.1: 1 of 1,613,858 alleles (0.000062%); highest among the groups gnomAD compares: Non-Finnish European, 0.000085%; no homozygotes.

Submission:

Labcorp Genetics (formerly Invitae), Labcorp
Classification: Uncertain significance for Familial cancer of breast. Last evaluated: 2022-09-29. Review status: criteria provided, single submitter. Criteria: Invitae Variant Classification Sherloc (09022015). Collection method: clinical testing. Allele origin: germline.
Comment: This sequence change replaces aspartic acid, which is acidic and polar, with valine, which is neutral and non-polar, at codon 453 of the BARD1 protein (p.Asp453Val). This variant is not present in population databases (gnomAD no frequency). This variant has not been reported in the literature in individuals affected with BARD1-related conditions. Algorithms developed to predict the effect of missense changes on protein structure and function (SIFT, PolyPhen-2, Align-GVGD) all suggest that this variant is likely to be disruptive. In summary, the available evidence is currently insufficient to determine the role of this variant in disease. Therefore, it has been classified as a Variant of Uncertain Significance.